The following is an entry in ClinVar:

NM_015335.5(MED13L):c.578A>G (p.Asn193Ser)

Gene: MED13L (mediator complex subunit 13L; minus strand). Cytogenetic location: 12q24.21.
Variant type: single nucleotide variant.
Coding change: c.578A>G on transcript NM_015335.5 (MANE Select); coding-DNA position 578, A replaced by G.
Protein change: p.Asn193Ser; replaces asparagine 193 with serine.
Molecular consequence: missense variant.
Genome position (GRCh38, 1-based): chr12:116,022,503, T>C on the plus strand (A>G on the coding strand, the complement: MED13L is on the minus strand). VCF-style: chr12-116022503-T-C. GRCh37 (hg19) VCF-style: chr12-116460308-T-C.
Other names: short protein forms N193S.
Identifiers: ClinVar variation 2910278 (VCV002910278.3), dbSNP rs531397958, ClinGen allele CA6811640.

ClinVar aggregate classification (germline): Uncertain significance (1 of 4 stars; one submission).

Conditions:
Dextro-looped transposition of the great arteries. Also called: Dextrotransposition of the great arteries. Identifiers: Orphanet 860, MedGen C3531771, MONDO:0019443, OMIM 608808, HP:0031348.

Allele frequency attached by ClinVar (database versions not stated): 1000 Genomes Project 30x 0.00016; gnomAD 0.00001; gnomAD exomes 0.00001; TOPMed 0.00001; 1000 Genomes Project 0.00020; ExAC 0.00001.
gnomAD v4.1: 9 of 1,613,866 alleles (0.00056%); highest among the groups gnomAD compares: Admixed American, 0.0017%; no homozygotes.

Submission:

Labcorp Genetics (formerly Invitae), Labcorp
Classification: Uncertain significance for Dextro-looped transposition of the great arteries. Last evaluated: 2025-12-18. Review status: criteria provided, single submitter. Criteria: Invitae Variant Classification Sherloc (09022015). Collection method: clinical testing. Allele origin: germline.
Comment: This sequence change replaces asparagine, which is neutral and polar, with serine, which is neutral and polar, at codon 193 of the MED13L protein (p.Asn193Ser). The frequency data for this variant in the population databases is considered unreliable, as metrics indicate poor data quality at this position in the gnomAD database. This variant has not been reported in the literature in individuals affected with MED13L-related conditions. ClinVar contains an entry for this variant (Variation ID: 2910278). Invitae Evidence Modeling of protein sequence and biophysical properties (such as structural, functional, and spatial information, amino acid conservation, physicochemical variation, residue mobility, and thermodynamic stability) indicates that this missense variant is not expected to disrupt MED13L protein function with a negative predictive value of 80%. In summary, the available evidence is currently insufficient to determine the role of this variant in disease. Therefore, it has been classified as a Variant of Uncertain Significance.